The following is an entry in ClinVar:

NM_020987.5(ANK3):c.2125C>T (p.Arg709Ter)

Gene: ANK3 (ankyrin 3; minus strand). Cytogenetic location: 10q21.2.
Variant type: single nucleotide variant.
Coding change: c.2125C>T on transcript NM_020987.5 (MANE Select); coding-DNA position 2125, C replaced by T.
Protein change: p.Arg709Ter; replaces arginine 709 with a stop codon.
Molecular consequence: nonsense.
Genome position (GRCh38, 1-based): chr10:60,181,388, G>A on the plus strand (C>T on the coding strand, the complement: ANK3 is on the minus strand). VCF-style: chr10-60181388-G-A. GRCh37 (hg19) VCF-style: chr10-61941146-G-A.
Other names: c.2107C>T, p.Arg703Ter (NM_001204403.2); c.2074C>T, p.Arg692Ter (NM_001204404.2); c.2125C>T, p.Arg709Ter (NM_001320874.2); short protein forms R692*, R703*, R709*.
Identifiers: ClinVar variation 1050844 (VCV001050844.1), dbSNP rs1234025820, ClinGen allele CA376987277.

ClinVar aggregate classification (germline): Likely pathogenic (1 of 4 stars; one submission).

Conditions:
Intellectual developmental disorder, autosomal recessive 37. Also called: Intellectual disability-hypotonia-spasticity-sleep disorder syndrome. Identifiers: Orphanet 356996, MedGen C3809672, MONDO:0014210, OMIM 615493.

Allele frequency attached by ClinVar (database versions not stated): gnomAD exomes below 0.00001.
gnomAD v4.1: 1 of 1,614,128 alleles (0.000062%); highest among the groups gnomAD compares: East Asian, 0.0022%; no homozygotes.

Submission:

Women's Health and Genetics/Laboratory Corporation of America, LabCorp
Classification: Likely pathogenic for Intellectual developmental disorder, autosomal recessive 37. Last evaluated: 2021-03-24. Review status: criteria provided, single submitter. Criteria: LabCorp Variant Classification Summary - May 2015. Collection method: clinical testing. Allele origin: germline.
Comment: Variant summary: ANK3 c.2125C>T (p.Arg709X) results in a premature termination codon, predicted to cause a truncation of the encoded protein or absence of the protein due to nonsense mediated decay, which are commonly known mechanisms for disease. The variant was absent in 251416 control chromosomes (gnomAD). To our knowledge, no occurrence of c.2125C>T in individuals affected with Mental Retardation, Autosomal Recessive 37 and no experimental evidence demonstrating its impact on protein function have been reported. No clinical diagnostic laboratories have submitted clinical-significance assessments for this variant to ClinVar after 2014. Based on the evidence outlined above, the variant was classified as likely pathogenic.